The following is an entry in ClinVar:

ClinVar aggregate classification (germline): Likely benign. Review status: criteria provided, multiple submitters, no conflicts (2 of 4 stars). 2 submissions from 2 submitters: Likely benign (2). Last evaluated 2024-11-22.

Allele frequency attached by ClinVar (database versions not stated): gnomAD 0.00056 and 0.00049; TOPMed 0.00057; 1000 Genomes Project 30x 0.00078; 1000 Genomes Project 0.00080; gnomAD exomes 0.00113.
gnomAD v4.1: 89 of 153,296 alleles (0.058%); highest among the groups gnomAD compares: Middle Eastern, 0.34%; no homozygotes.

Submissions (2):

Blueprint Genetics
Classification: Likely benign. Last evaluated: 2024-11-22. Review status: criteria provided, single submitter. Criteria: ACMG Guidelines, 2015. Collection method: clinical testing. Allele origin: germline.

CeGaT Center for Human Genetics Tuebingen
Classification: Likely benign. Last evaluated: 2024-11-01. Review status: criteria provided, single submitter. Criteria: CeGaT Center For Human Genetics Tuebingen Variant Classification Criteria Version 2. Collection method: clinical testing. Allele origin: germline. Affected: yes. Observed: 15 variant alleles.
Comment: NF1: BS1

NM_001042492.3(NF1):c.888+664T>G

Gene: NF1 (neurofibromin 1; plus strand). Cytogenetic location: 17q11.2.
Variant type: single nucleotide variant.
Coding change: c.888+664T>G on transcript NM_001042492.3 (MANE Select); 664 bases into the intron after coding-DNA position 888, T replaced by G.
Molecular consequence: intron variant.
Genome position (GRCh38, 1-based): chr17:31,183,329, T>G. VCF-style: chr17-31183329-T-G. GRCh37 (hg19) VCF-style: chr17-29510347-T-G.
Other names: c.888+664T>G (NM_000267.4, NM_001128147.3).
Identifiers: ClinVar variation 1694839 (VCV001694839.32), dbSNP rs139513375, ClinGen allele CA289335522.
Genomic context (GRCh38, chr17:31,183,329, plus strand): 5'-ATGCAGTTTGTTTTGCAAATATTTTTTTTTTCATTTTTTGCTGCTTTTGGAGAAATACTC[T>G]TAGCTGGCTGAACATGAGATGGTTTCCTTCATGGTTTGCCTGTAGATGGAGATGTTCAGA-3'